The following is an entry in ClinVar:

NM_182914.3(SYNE2):c.407A>T (p.His136Leu)

Gene: SYNE2 (spectrin repeat containing nuclear envelope protein 2; plus strand). Cytogenetic location: 14q23.2.
Variant type: single nucleotide variant.
Coding change: c.407A>T on transcript NM_182914.3 (MANE Select); coding-DNA position 407, A replaced by T.
Protein change: p.His136Leu; replaces histidine 136 with leucine.
Molecular consequence: missense variant.
Genome position (GRCh38, 1-based): chr14:63,942,142, A>T. VCF-style: chr14-63942142-A-T. GRCh37 (hg19) VCF-style: chr14-64408860-A-T.
Other names: c.407A>T, p.His136Leu (NM_015180.6); short protein forms H136L.
Identifiers: ClinVar variation 2133616 (VCV002133616.4), dbSNP rs2550516788, ClinGen allele CA389936332.

ClinVar aggregate classification (germline): Uncertain significance (1 of 4 stars; one submission).

Conditions:
Emery-Dreifuss muscular dystrophy 5, autosomal dominant (EDMD5). Also called: EMERY-DREIFUSS MUSCULAR DYSTROPHY 5. Identifiers: Orphanet 261, MedGen C2751805, MONDO:0013072, OMIM 612999.

Allele frequency attached by ClinVar (database versions not stated): gnomAD exomes 0.00001.
gnomAD v4.1: 8 of 1,560,218 alleles (0.00051%); highest among the groups gnomAD compares: Non-Finnish European, 0.00071%; no homozygotes.

Submission:

Labcorp Genetics (formerly Invitae), Labcorp
Classification: Uncertain significance for Emery-Dreifuss muscular dystrophy 5, autosomal dominant. Last evaluated: 2022-11-08. Review status: criteria provided, single submitter. Criteria: Invitae Variant Classification Sherloc (09022015). Collection method: clinical testing. Allele origin: germline.
Comment: In summary, the available evidence is currently insufficient to determine the role of this variant in disease. Therefore, it has been classified as a Variant of Uncertain Significance. Algorithms developed to predict the effect of missense changes on protein structure and function are either unavailable or do not agree on the potential impact of this missense change (SIFT: "Tolerated"; PolyPhen-2: "Probably Damaging"; Align-GVGD: "Class C0"). This variant has not been reported in the literature in individuals affected with SYNE2-related conditions. This variant is not present in population databases (gnomAD no frequency). This sequence change replaces histidine, which is basic and polar, with leucine, which is neutral and non-polar, at codon 136 of the SYNE2 protein (p.His136Leu).